The following is an entry in ClinVar:

NM_199420.4(POLQ):c.3299A>C (p.Asn1100Thr)

Gene: POLQ (DNA polymerase theta; minus strand). Cytogenetic location: 3q13.33.
Variant type: single nucleotide variant.
Coding change: c.3299A>C on transcript NM_199420.4 (MANE Select); coding-DNA position 3299, A replaced by C.
Protein change: p.Asn1100Thr; replaces asparagine 1100 with threonine.
Molecular consequence: missense variant.
Genome position (GRCh38, 1-based): chr3:121,489,632, T>G on the plus strand (A>C on the coding strand, the complement: POLQ is on the minus strand). VCF-style: chr3-121489632-T-G. GRCh37 (hg19) VCF-style: chr3-121208479-T-G.
Other names: short protein forms N1100T.
Identifiers: ClinVar variation 3308645 (VCV003308645.1).

ClinVar aggregate classification (germline): Uncertain significance (1 of 4 stars; one submission).

Submission:

Ambry Genetics
Classification: Uncertain significance. Last evaluated: 2024-04-23. Review status: criteria provided, single submitter. Criteria: Ambry Variant Classification Scheme 2023. Collection method: clinical testing. Allele origin: germline.
Comment: The p.N1100T variant (also known as c.3299A>C), located in coding exon 16 of the POLQ gene, results from an A to C substitution at nucleotide position 3299. The asparagine at codon 1100 is replaced by threonine, an amino acid with similar properties. This amino acid position is conserved. In addition, this alteration is predicted to be tolerated by in silico analysis. Based on the available evidence, the clinical significance of this variant remains unclear.